The following is an entry in ClinVar:

ClinVar aggregate classification (germline): Likely pathogenic (1 of 4 stars; one submission).

Allele frequency attached by ClinVar (database versions not stated): gnomAD exomes below 0.00001.
gnomAD v4.1: 1 of 1,614,088 alleles (0.000062%); highest among the groups gnomAD compares: Non-Finnish European, 0.000085%; no homozygotes.

Submission:

GeneDx
Classification: Likely pathogenic. Last evaluated: 2018-08-03. Review status: criteria provided, single submitter. Criteria: GeneDx Variant Classification (06012015). Collection method: clinical testing. Allele origin: germline. Affected: yes.
Comment: The Q427X variant in the KIT gene has not been reported previously as a pathogenic variant nor as a benign variant, to our knowledge. This variant is predicted to cause loss of normal protein function either through protein truncation or nonsense-mediated mRNA decay. The Q427X variant is not observed at a significant frequency in large population cohorts (Lek et al., 2016). We interpret Q427X as a pathogenic variant.

NM_000222.3(KIT):c.1279C>T (p.Gln427Ter)

Gene: KIT (KIT proto-oncogene, receptor tyrosine kinase; plus strand). Cytogenetic location: 4q12.
Variant type: single nucleotide variant.
Coding change: c.1279C>T on transcript NM_000222.3 (MANE Select); coding-DNA position 1279, C replaced by T.
Protein change: p.Gln427Ter; replaces glutamine 427 with a stop codon.
Molecular consequence: nonsense.
Genome position (GRCh38, 1-based): chr4:54,723,631, C>T. VCF-style: chr4-54723631-C-T. GRCh37 (hg19) VCF-style: chr4-55589797-C-T.
Other names: c.1279C>T, p.Gln427Ter (NM_001093772.2, NM_001385285.1, NM_001385286.1); c.1282C>T, p.Gln428Ter (NM_001385284.1, NM_001385288.1, NM_001385290.1 and 1 more transcripts); short protein forms Q427*, Q428*.
Identifiers: ClinVar variation 620302 (VCV000620302.1), dbSNP rs1306680919, ClinGen allele CA356905534.